The following is an entry in ClinVar:

NM_004793.4(LONP1):c.1653C>T (p.Gly551=)

Genes: LONP1 (lon peptidase 1, mitochondrial; minus strand), LOC130063269 (ATAC-STARR-seq lymphoblastoid active region 13814; plus strand). Cytogenetic location: 19p13.3.
Variant type: single nucleotide variant.
Coding change: c.1653C>T on transcript NM_004793.4 (MANE Select); coding-DNA position 1653, C replaced by T.
Protein change: p.Gly551=; no amino-acid change (glycine 551 retained).
Molecular consequence: synonymous variant. On other transcripts: non-coding transcript variant (1).
Genome position (GRCh38, 1-based): chr19:5,699,059, G>A on the plus strand (C>T on the coding strand, the complement: LONP1 is on the minus strand). VCF-style: chr19-5699059-G-A. GRCh37 (hg19) VCF-style: chr19-5699070-G-A.
Other names: c.1461C>T, p.Gly487= (NM_001276479.2); c.1065C>T, p.Gly355= (NM_001276480.1).
Identifiers: ClinVar variation 713402 (VCV000713402.13), dbSNP rs147331639, ClinGen allele CA9114594.
Genomic context (GRCh38, chr19:5,699,059, plus strand): 5'-GTGGGGAGAGCTGTCAGGCCAGGCCTACCTGTGGCCCTTGATCTCAGCCACGTCAGTCAT[G>A]CCCCCGACGCTGAAGCGGAAGTACTCTCGGTTCAGGGCGCGGGCGATGGAGCGAGCAATG-3'
Protein context (NP_004784.2, residues 541-561): NREYFRFSVG[Gly551=]MTDVAEIKGH

ClinVar aggregate classification (germline): Benign/Likely benign. Review status: criteria provided, multiple submitters, no conflicts (2 of 4 stars). 3 submissions from 3 submitters: Benign (1); Likely benign (1). 1 of the submissions does not count toward it. Last evaluated 2025-11-01.

Conditions:
LONP1-related disorder. Also called: LONP1-related condition; LONP1-related disorders.

Allele frequency attached by ClinVar (database versions not stated): gnomAD exomes 0.00007 and 0.00027; ExAC 0.00038; gnomAD 0.00084 and 0.00091; TOPMed 0.00093; ESP Exome Variant Server 0.00131; 1000 Genomes Project 0.00140; 1000 Genomes Project 30x 0.00156.
gnomAD v4.1: 232 of 1,608,564 alleles (0.014%); highest among the groups gnomAD compares: African/African-American, 0.29%; 1 homozygote.

Submissions (3):

Labcorp Genetics (formerly Invitae), Labcorp
Classification: Benign. Last evaluated: 2025-11-01. Review status: criteria provided, single submitter. Criteria: Invitae Variant Classification Sherloc (09022015). Collection method: clinical testing. Allele origin: germline.

Blueprint Genetics
Classification: Likely benign. Last evaluated: 2024-10-28. Review status: criteria provided, single submitter. Criteria: ACMG Guidelines, 2015. Collection method: clinical testing. Allele origin: germline.

PreventionGenetics, part of Exact Sciences
Classification: Likely benign for LONP1-related condition. Last evaluated: 2023-04-18. Review status: no assertion criteria provided. Collection method: clinical testing. Allele origin: germline. Not counted in ClinVar's aggregate classification.
Comment: This variant is classified as likely benign based on ACMG/AMP sequence variant interpretation guidelines (Richards et al. 2015 PMID: 25741868, with internal and published modifications).